The following is an entry in ClinVar:

NM_016169.4(SUFU):c.899T>C (p.Leu300Pro)

Gene: SUFU (SUFU negative regulator of hedgehog signaling; plus strand). Cytogenetic location: 10q24.32.
Variant type: single nucleotide variant.
Coding change: c.899T>C on transcript NM_016169.4 (MANE Select); coding-DNA position 899, T replaced by C.
Protein change: p.Leu300Pro; replaces leucine 300 with proline.
Molecular consequence: missense variant.
Genome position (GRCh38, 1-based): chr10:102,597,282, T>C. VCF-style: chr10-102597282-T-C. GRCh37 (hg19) VCF-style: chr10-104357039-T-C.
Other names: c.899T>C, p.Leu300Pro (NM_001178133.2); short protein forms L300P.
Identifiers: ClinVar variation 4782803 (VCV004782803.1).

ClinVar aggregate classification (germline): Uncertain significance (1 of 4 stars; one submission).

Conditions:
Gorlin syndrome. Also called: Nevoid Basal Cell Carcinoma Syndrome; Basal cell nevus syndrome. Identifiers: Orphanet 377, MedGen C0004779, MONDO:0007187.
Medulloblastoma (MDB). Also called: MEDULLOBLASTOMA PREDISPOSITION SYNDROME; Medulloblastoma, somatic. Identifiers: Orphanet 616, MedGen C0025149, MeSH D008527, MONDO:0007959, OMIM 155255, HP:0002885.

Submission:

Labcorp Genetics (formerly Invitae), Labcorp
Classification: Uncertain significance for Gorlin syndrome; Medulloblastoma. Last evaluated: 2026-01-18. Review status: criteria provided, single submitter. Criteria: Invitae Variant Classification Sherloc (09022015). Collection method: clinical testing. Allele origin: germline.
Comment: This sequence change replaces leucine, which is neutral and non-polar, with proline, which is neutral and non-polar, at codon 300 of the SUFU protein (p.Leu300Pro). This variant is not present in population databases (gnomAD no frequency). This variant has not been reported in the literature in individuals affected with SUFU-related conditions. Invitae Evidence Modeling of protein sequence and biophysical properties (such as structural, functional, and spatial information, amino acid conservation, physicochemical variation, residue mobility, and thermodynamic stability) indicates that this missense variant is not expected to disrupt SUFU protein function with a negative predictive value of 80%. In summary, the available evidence is currently insufficient to determine the role of this variant in disease. Therefore, it has been classified as a Variant of Uncertain Significance.